The following is an entry in ClinVar:

ClinVar aggregate classification (germline): Uncertain significance (1 of 4 stars; one submission).

Submission:

Labcorp Genetics (formerly Invitae), Labcorp
Classification: Uncertain significance. Last evaluated: 2021-08-29. Review status: criteria provided, single submitter. Criteria: Invitae Variant Classification Sherloc (09022015). Collection method: clinical testing. Allele origin: germline.
Comment: In summary, the available evidence is currently insufficient to determine the role of this variant in disease. Therefore, it has been classified as a Variant of Uncertain Significance. Algorithms developed to predict the effect of missense changes on protein structure and function are either unavailable or do not agree on the potential impact of this missense change (SIFT: "Deleterious"; PolyPhen-2: "Benign"; Align-GVGD: "Class C15"). This variant has not been reported in the literature in individuals affected with IMPG1-related conditions. This variant is not present in population databases (ExAC no frequency). This sequence change replaces arginine with glycine at codon 599 of the IMPG1 protein (p.Arg599Gly). The arginine residue is weakly conserved and there is a moderate physicochemical difference between arginine and glycine.

NM_001563.4(IMPG1):c.1795C>G (p.Arg599Gly)

Gene: IMPG1 (interphotoreceptor matrix proteoglycan 1; minus strand). Cytogenetic location: 6q14.1.
Variant type: single nucleotide variant.
Coding change: c.1795C>G on transcript NM_001563.4 (MANE Select); coding-DNA position 1795, C replaced by G.
Protein change: p.Arg599Gly; replaces arginine 599 with glycine.
Molecular consequence: missense variant.
Genome position (GRCh38, 1-based): chr6:75,950,591, G>C on the plus strand (C>G on the coding strand, the complement: IMPG1 is on the minus strand). VCF-style: chr6-75950591-G-C. GRCh37 (hg19) VCF-style: chr6-76660308-G-C.
Other names: c.1561C>G, p.Arg521Gly (NM_001282368.2); short protein forms R521G, R599G.
Identifiers: ClinVar variation 1466325 (VCV001466325.6), dbSNP rs1335348760, ClinGen allele CA364776581.